The following is an entry in ClinVar:

ClinVar aggregate classification (germline): Uncertain significance. Review status: criteria provided, multiple submitters, no conflicts (2 of 4 stars). 3 submissions from 3 submitters: Uncertain significance (3). Last evaluated 2025-10-15.

Conditions:
Inborn genetic diseases. Identifiers: MedGen C0950123, MeSH D030342.
Neurodevelopmental disorder with dysmorphic facies and distal limb anomalies. Identifiers: Orphanet 686482, MedGen C4540327, MONDO:0060596, OMIM 617755.

Allele frequency attached by ClinVar (database versions not stated): gnomAD exomes below 0.00001.
gnomAD v4.1: 5 of 1,611,258 alleles (0.00031%); highest among the groups gnomAD compares: African/African-American, 0.0067%; no homozygotes.

Submissions (3):

Ambry Genetics
Classification: Uncertain significance for Inborn genetic diseases. Last evaluated: 2025-10-15. Review status: criteria provided, single submitter. Criteria: Ambry Variant Classification Scheme 2023. Collection method: clinical testing. Allele origin: germline.

CeGaT Center for Human Genetics Tuebingen
Classification: Uncertain significance. Last evaluated: 2023-10-01. Review status: criteria provided, single submitter. Criteria: CeGaT Center For Human Genetics Tuebingen Variant Classification Criteria Version 2. Collection method: clinical testing. Allele origin: germline. Affected: yes. Observed: 2 variant alleles.
Comment: BPTF: PM2, PP2

Baylor Genetics
Classification: Uncertain significance for Neurodevelopmental disorder with dysmorphic facies and distal limb anomalies. Last evaluated: 2020-01-17. Review status: criteria provided, single submitter. Criteria: ACMG Guidelines, 2015. Collection method: clinical testing. Allele origin: unknown. Affected: yes.
Comment: This variant was determined to be of uncertain significance according to ACMG Guidelines, 2015 [PMID:25741868].

NM_182641.4(BPTF):c.469G>A (p.Asp157Asn)

Genes: BPTF (bromodomain PHD finger transcription factor; plus strand), LOC130061496 (ATAC-STARR-seq lymphoblastoid active region 12632; plus strand). Cytogenetic location: 17q24.2.
Variant type: single nucleotide variant.
Coding change: c.469G>A on transcript NM_182641.4 (MANE Select); coding-DNA position 469, G replaced by A.
Protein change: p.Asp157Asn; replaces aspartic acid 157 with asparagine.
Molecular consequence: missense variant.
Genome position (GRCh38, 1-based): chr17:67,826,193, G>A. VCF-style: chr17-67826193-G-A. GRCh37 (hg19) VCF-style: chr17-65822309-G-A.
Other names: c.469G>A (NM_182641.3); c.469G>A, p.Asp157Asn (NM_004459.7); short protein forms D157N.
Identifiers: ClinVar variation 1028760 (VCV001028760.29), dbSNP rs2056006830, ClinGen allele CA400716041.